The following is an entry in ClinVar:

ClinVar aggregate classification (germline): Pathogenic (1 of 4 stars; one submission).

Conditions:
Cardiofaciocutaneous syndrome 3 (CFC3). Also called: MAP2K1-Related Cardiofaciocutaneous Syndrome. Identifiers: Orphanet 1340, MedGen C3809006, MONDO:0014113, OMIM 615279.

Submission:

Institute of Human Genetics, University of Leipzig Medical Center
Classification: Pathogenic for Cardiofaciocutaneous syndrome 3. Last evaluated: 2021-08-17. Review status: criteria provided, single submitter. Criteria: ACMG Guidelines, 2015. Collection method: clinical testing. Allele origin: de novo. Affected: yes.
Comment: This variant was identified as de novo (maternity and paternity confirmed).

NM_002755.4(MAP2K1):c.383G>C (p.Gly128Ala)

Gene: MAP2K1 (mitogen-activated protein kinase kinase 1; plus strand). Cytogenetic location: 15q22.31.
Variant type: single nucleotide variant.
Coding change: c.383G>C on transcript NM_002755.4 (MANE Select); coding-DNA position 383, G replaced by C.
Protein change: p.Gly128Ala; replaces glycine 128 with alanine.
Molecular consequence: missense variant.
Genome position (GRCh38, 1-based): chr15:66,436,837, G>C. VCF-style: chr15-66436837-G-C. GRCh37 (hg19) VCF-style: chr15-66729175-G-C.
Other names: short protein forms G128A.
Identifiers: ClinVar variation 1297058 (VCV001297058.1), dbSNP rs121908596, ClinGen allele CA392930767.
Genomic context (GRCh38, chr15:66,436,837, plus strand): 5'-GGAACCAGATCATAAGGGAGCTGCAGGTTCTGCATGAGTGCAACTCTCCGTACATCGTGG[G>C]CTTCTATGGTGCGTTCTACAGCGATGGCGAGATCAGTATCTGCATGGAGCACATGGTATG-3'
Protein context (NP_002746.1, residues 118-138): LHECNSPYIV[Gly128Ala]FYGAFYSDGE